The following is an entry in ClinVar:

NM_001379451.1(BCORL1):c.3469G>A (p.Glu1157Lys)

Gene: BCORL1 (BCL6 corepressor like 1; plus strand). Cytogenetic location: Xq26.1.
Variant type: single nucleotide variant.
Coding change: c.3469G>A on transcript NM_001379451.1 (MANE Select); coding-DNA position 3469, G replaced by A.
Protein change: p.Glu1157Lys; replaces glutamic acid 1157 with lysine.
Molecular consequence: missense variant.
Genome position (GRCh38, 1-based): chrX:130,021,012, G>A. VCF-style: chrX-130021012-G-A. GRCh37 (hg19) VCF-style: chrX-129154987-G-A.
Other names: c.3469G>A, p.Glu1157Lys (NM_001184772.3, NM_001379450.1, NM_021946.5); short protein forms E1157K.
Identifiers: ClinVar variation 1710391 (VCV001710391.3), dbSNP rs1929757263, ClinGen allele CA414595196.

ClinVar aggregate classification (germline): Uncertain significance (1 of 4 stars; one submission).

Allele frequency attached by ClinVar (database versions not stated): gnomAD exomes below 0.00001.
gnomAD v4.1: 4 of 1,177,229 alleles (0.00034%); highest among the groups gnomAD compares: Non-Finnish European, 0.00045%; no homozygotes.

Submission:

Greenwood Genetic Center Diagnostic Laboratories, Greenwood Genetic Center
Classification: Uncertain significance. Last evaluated: 2022-09-07. Review status: criteria provided, single submitter. Criteria: ACMG Guidelines, 2015. Collection method: clinical testing. Allele origin: germline. Affected: yes.
Comment: PM2